The following is an entry in ClinVar:

ClinVar aggregate classification (germline): Uncertain significance. Review status: criteria provided, single submitter (1 of 4 stars). 2 submissions from 1 submitter: Uncertain significance (2). Last evaluated 2022-07-12.

Conditions:
heterogeneous nuclear ribonucleoprotein G, human.
Developmental and epileptic encephalopathy, 54. Also called: Epileptic encephalopathy, early infantile, 54; HNRNPU-Related Neurodevelopmental Disorder. Identifiers: MedGen C4479319, MONDO:0033363, OMIM 617391.

Submissions (2):

Labcorp Genetics (formerly Invitae), Labcorp
Classification: Uncertain significance for Developmental and epileptic encephalopathy, 54. Last evaluated: 2022-07-12. Review status: criteria provided, single submitter. Criteria: Invitae Variant Classification Sherloc (09022015). Collection method: clinical testing. Allele origin: germline.
Comment: A copy number gain of the genomic region encompassing the full coding sequence of the HNRNPU gene has been identified. The boundaries of this event are unknown as they extend beyond the assayed region for this gene and therefore may encompass additional genes. As the precise location of this event is unknown, it may be in tandem or it may be located elsewhere in the genome. Isolated whole-gene copy number gains of HNRNPU have not been reported in the literature. However, larger copy number events that include this gene have been reported (PMID: 30866059). In summary, the available evidence is currently insufficient to determine the role of this variant in disease. Therefore, it has been classified as a Variant of Uncertain Significance.

Labcorp Genetics (formerly Invitae), Labcorp
Classification: Uncertain significance. Last evaluated: 2020-09-20. Review status: criteria provided, single submitter. Criteria: Invitae Variant Classification Sherloc (09022015). Collection method: clinical testing. Allele origin: germline.
Comment: This variant results in a copy number gain of the genomic region encompassing the full coding sequence of the HNRNPU gene. The boundaries of this event are unknown as they extend beyond the assayed region for this gene and therefore may encompass additional genes. As the precise location of this event is unknown, it may be in tandem or it may be located elsewhere in the genome. This variant has not been reported in the literature in individuals with HNRNPU-related conditions. In summary, the available evidence is currently insufficient to determine the role of this variant in disease. Therefore, it has been classified as a Variant of Uncertain Significance.

Literature cited by the submitters: PubMed 30866059.

NC_000001.10:g.(?_245017752)_(245027609_?)dup

Gene: HNRNPU (heterogeneous nuclear ribonucleoprotein U; minus strand). Cytogenetic location: 1q44.
Variant type: Duplication.
Identifiers: ClinVar variation 1023955 (VCV001023955.5).